The following is an entry in ClinVar:

ClinVar aggregate classification (germline): Benign/Likely benign. Review status: criteria provided, multiple submitters, no conflicts (2 of 4 stars). 8 submissions from 8 submitters: Benign (6); Likely benign (2). Last evaluated 2026-02-03.

Conditions:
Birt-Hogg-Dube syndrome 1 (BHD1). Also called: FIBROFOLLICULOMAS WITH TRICHODISCOMAS AND ACROCHORDONS. Identifiers: Orphanet 122, MedGen CN375946, MONDO:0800445, OMIM 135150.
Nonpapillary renal cell carcinoma. Identifiers: Orphanet 422526, MedGen CN074294, MONDO:0007763, OMIM 144700.
Familial spontaneous pneumothorax (PSP). Identifiers: Orphanet 2903, MedGen C1868193, MONDO:0008259, OMIM 173600.
Colorectal cancer. Also called: Malignant Colorectal Neoplasm; Colorectal cancer, somatic. Identifiers: MedGen C0346629, MONDO:0005575, OMIM 114500.
Hereditary cancer-predisposing syndrome. Also called: Neoplastic Syndromes, Hereditary; Hereditary neoplastic syndrome; Tumor predisposition; Hereditary Cancer Syndrome. Identifiers: Orphanet 140162, MedGen C0027672, MeSH D009386, MONDO:0015356.
Birt-Hogg-Dube syndrome. Also called: Birt Hogg Dubé syndrome. Identifiers: Orphanet 122, MedGen C0346010, MONDO:0800444.

Allele frequency attached by ClinVar (database versions not stated): gnomAD 0.00004 and 0.00044; TOPMed 0.00009; gnomAD exomes 0.00082 and 0.00169; ExAC 0.00179; 1000 Genomes Project 30x 0.00406; 1000 Genomes Project 0.00439.

Submissions (8):

Labcorp Genetics (formerly Invitae), Labcorp
Classification: Benign for Birt-Hogg-Dube syndrome. Last evaluated: 2026-02-03. Review status: criteria provided, single submitter. Criteria: Invitae Variant Classification Sherloc (09022015). Collection method: clinical testing. Allele origin: germline.

CeGaT Center for Human Genetics Tuebingen
Classification: Benign. Last evaluated: 2025-11-01. Review status: criteria provided, single submitter. Criteria: CeGaT Center For Human Genetics Tuebingen Variant Classification Criteria Version 2. Collection method: clinical testing. Allele origin: germline. Affected: yes. Observed: 3 variant alleles.
Comment: FLCN: BS1, BS2

Center for Genomic Medicine, Rigshospitalet, Copenhagen University Hospital
Classification: Likely benign. Last evaluated: 2025-03-04. Review status: criteria provided, single submitter. Criteria: ACMG Guidelines, 2015. Collection method: clinical testing. Allele origin: germline.

Molecular Diagnostics Laboratory, Catalan Institute of Oncology
Classification: Benign for Hereditary cancer-predisposing syndrome. Last evaluated: 2025-02-05. Review status: criteria provided, single submitter. Criteria: ACMG Guidelines, 2015. Collection method: clinical testing. Allele origin: germline.
Comment: BA1, BP4, BP7 FLCN c.1300+12C>T is an intronic variant not very close to a canonical splice site, where the SpliceAI algorithm predicts no significant impact on splicing (BP4, BP7). The variant allele was found in 405/30446 alleles (and 7 homozygotes), with a filtering allele frequency of 1.18% at 99% confidence, within the South Asian population in the gnomAD v2.1.1 database (non-cancer data set) (BA1). To our knowledge, neither relevant clinical data nor well-stablished functional studies have been reported for this variant. It has been reported in the ClinVar database (4x benign, 2x likely benign) and in the LOVD database (1x benign). Based on the currently available information, c.1300+12C>T is classified as a likely benign variant according to ACMG guidelines.

Department of Pathology and Laboratory Medicine, Sinai Health System
Classification: Benign for Birt-Hogg-Dube syndrome 1; Colorectal cancer; Familial spontaneous pneumothorax; Nonpapillary renal cell carcinoma. Last evaluated: 2023-10-11. Review status: criteria provided, single submitter. Criteria: ACMG Guidelines, 2015. Collection method: clinical testing. Allele origin: germline. Affected: yes.

KCCC/NGS Laboratory, Kuwait Cancer Control Center
Classification: Likely benign for Birt-Hogg-Dube syndrome 1. Last evaluated: 2023-07-07. Review status: criteria provided, single submitter. Criteria: ACMG Guidelines, 2015. Collection method: clinical testing. Allele origin: germline. Affected: yes.

GeneDx
Classification: Benign. Last evaluated: 2021-04-13. Review status: criteria provided, single submitter. Criteria: GeneDx Variant Classification Process June 2021. Collection method: clinical testing. Allele origin: germline. Affected: yes.

Breakthrough Genomics
Classification: Benign. Review status: criteria provided, single submitter. Criteria: ACMG Guidelines, 2015. Collection method: not provided. Allele origin: germline. Inheritance: Autosomal dominant inheritance. Affected: yes.

NM_144997.7(FLCN):c.1300+12C>T

Gene: FLCN (folliculin; minus strand). Cytogenetic location: 17p11.2.
Variant type: single nucleotide variant.
Coding change: c.1300+12C>T on transcript NM_144997.7 (MANE Select); 12 bases into the intron after coding-DNA position 1300, C replaced by T.
Molecular consequence: intron variant.
Genome position (GRCh38, 1-based): chr17:17,216,368, G>A on the plus strand (C>T on the coding strand, the complement: FLCN is on the minus strand). VCF-style: chr17-17216368-G-A. GRCh37 (hg19) VCF-style: chr17-17119682-G-A.
Other names: c.1300+12C>T (LRG_325t1, NM_001353231.2, NM_001353230.2 and 1 more transcripts); c.1354+12C>T (NM_001353229.2).
Identifiers: ClinVar variation 390278 (VCV000390278.43), dbSNP rs565983064, ClinGen allele CA8416067.